The following is an entry in ClinVar:

ClinVar aggregate classification (germline): Uncertain significance (1 of 4 stars; one submission).

Conditions:
Spinocerebellar ataxia type 41. Identifiers: Orphanet 458798, MedGen C4225158, MONDO:0014626, OMIM 616410.

Submission:

MVZ Medizinische Genetik Mainz
Classification: Uncertain significance for Spinocerebellar ataxia type 41. Last evaluated: 2025-12-18. Review status: criteria provided, single submitter. Criteria: UK Practice Guidelines For Variant Classification V4 01 2020. Collection method: clinical testing. Allele origin: germline. Inheritance: Autosomal dominant inheritance. Affected: yes. Observed: 1 variant allele.
Comment: ACMG Criteria: PP3_STR,PM2_SUP

NM_001130698.2(TRPC3):c.2555T>A (p.Met852Lys)

Gene: TRPC3 (transient receptor potential cation channel subfamily C member 3; minus strand). Cytogenetic location: 4q27.
Variant type: single nucleotide variant.
Coding change: c.2555T>A on transcript NM_001130698.2 (MANE Select); coding-DNA position 2555, T replaced by A.
Protein change: p.Met852Lys; replaces methionine 852 with lysine.
Molecular consequence: missense variant.
Genome position (GRCh38, 1-based): chr4:121,882,422, A>T on the plus strand (T>A on the coding strand, the complement: TRPC3 is on the minus strand). VCF-style: chr4-121882422-A-T. GRCh37 (hg19) VCF-style: chr4-122803577-A-T.
Other names: c.2471T>A, p.Met824Lys (NM_001366479.2); c.2336T>A, p.Met779Lys (NM_003305.2); short protein forms M779K, M824K, M852K.
Identifiers: ClinVar variation 4688146 (VCV004688146.1).
Genomic context (GRCh38, chr4:121,882,422, plus strand): 5'-ACTTCATCATTTTCTTTGTCTACTTGTGCTTTCAAAACATACCGCTTTATAAGTCTTTTC[A>T]TTATCTGCTGTTGGGCAAAAGTAAATGATTAGATCTCCAATGATATACATAAGTGCCCCA-3'
Protein context (NP_001124170.1, residues 842-862): LNQPTRYQQI[Met852Lys]KRLIKRYVLK